The following is an entry in ClinVar:

NM_004946.3(DOCK2):c.103G>T (p.Val35Leu)

Gene: DOCK2 (dedicator of cytokinesis 2; plus strand). Cytogenetic location: 5q35.1.
Variant type: single nucleotide variant.
Coding change: c.103G>T on transcript NM_004946.3 (MANE Select); coding-DNA position 103, G replaced by T.
Protein change: p.Val35Leu; replaces valine 35 with leucine.
Molecular consequence: missense variant. On other transcripts: non-coding transcript variant (1).
Genome position (GRCh38, 1-based): chr5:169,654,462, G>T. VCF-style: chr5-169654462-G-T. GRCh37 (hg19) VCF-style: chr5-169081466-G-T.
Other names: short protein forms V35L.
Identifiers: ClinVar variation 934613 (VCV000934613.7), dbSNP rs1757982685, ClinGen allele CA362104533.

ClinVar aggregate classification (germline): Uncertain significance (1 of 4 stars; one submission).

Conditions:
DOCK2 deficiency. Also called: Immunodeficiency 40. Identifiers: Orphanet 447737, MedGen C4225328, MONDO:0014637, OMIM 616433.

Submission:

Labcorp Genetics (formerly Invitae), Labcorp
Classification: Uncertain significance for DOCK2 deficiency. Last evaluated: 2019-06-15. Review status: criteria provided, single submitter. Criteria: Invitae Variant Classification Sherloc (09022015). Collection method: clinical testing. Allele origin: germline.
Comment: This variant has not been reported in the literature in individuals with DOCK2-related conditions. In summary, the available evidence is currently insufficient to determine the role of this variant in disease. Therefore, it has been classified as a Variant of Uncertain Significance. Algorithms developed to predict the effect of missense changes on protein structure and function are either unavailable or do not agree on the potential impact of this missense change (SIFT: "Deleterious"; PolyPhen-2: "Probably Damaging"; Align-GVGD: "Class C0"). This variant is not present in population databases (ExAC no frequency). This sequence change replaces valine with leucine at codon 35 of the DOCK2 protein (p.Val35Leu). The valine residue is moderately conserved and there is a small physicochemical difference between valine and leucine.